The following is an entry in ClinVar:

ClinVar aggregate classification (germline): Uncertain significance. Review status: criteria provided, multiple submitters, no conflicts (2 of 4 stars). 2 submissions from 2 submitters: Uncertain significance (2). Last evaluated 2022-07-08.

Conditions:
Trichohepatoenteric syndrome 2 (THES2). Identifiers: Orphanet 84064, MedGen C3281289, MONDO:0013818, OMIM 614602.

Allele frequency attached by ClinVar (database versions not stated): gnomAD 0.00002 and 0.00003; TOPMed 0.00003; ExAC 0.00004; gnomAD exomes 0.00004 and 0.00005; ESP Exome Variant Server 0.00008; 1000 Genomes Project 0.00020; 1000 Genomes Project 30x 0.00031.
gnomAD v4.1: 88 of 1,614,054 alleles (0.0055%); highest among the groups gnomAD compares: Non-Finnish European, 0.0066%; no homozygotes.

Submissions (2):

Labcorp Genetics (formerly Invitae), Labcorp
Classification: Uncertain significance. Last evaluated: 2022-07-08. Review status: criteria provided, single submitter. Criteria: Invitae Variant Classification Sherloc (09022015). Collection method: clinical testing. Allele origin: germline.
Comment: This sequence change replaces serine, which is neutral and polar, with leucine, which is neutral and non-polar, at codon 127 of the SKIV2L protein (p.Ser127Leu). This variant is present in population databases (rs140350010, gnomAD 0.006%). This variant has not been reported in the literature in individuals affected with SKIV2L-related conditions. ClinVar contains an entry for this variant (Variation ID: 907290). Algorithms developed to predict the effect of missense changes on protein structure and function are either unavailable or do not agree on the potential impact of this missense change (SIFT: "Deleterious"; PolyPhen-2: "Possibly Damaging"; Align-GVGD: "Class C0"). In summary, the available evidence is currently insufficient to determine the role of this variant in disease. Therefore, it has been classified as a Variant of Uncertain Significance.

Illumina Laboratory Services, Illumina
Classification: Uncertain significance for Trichohepatoenteric syndrome 2. Last evaluated: 2018-01-12. Review status: criteria provided, single submitter. Criteria: ICSL Variant Classification Criteria 13 December 2019. Collection method: clinical testing. Allele origin: germline.

NM_006929.5(SKIC2):c.380C>T (p.Ser127Leu)

Gene: SKIC2 (SKI2 subunit of superkiller complex; plus strand). Cytogenetic location: 6p21.33.
Variant type: single nucleotide variant.
Coding change: c.380C>T on transcript NM_006929.5 (MANE Select); coding-DNA position 380, C replaced by T.
Protein change: p.Ser127Leu; replaces serine 127 with leucine.
Molecular consequence: missense variant.
Genome position (GRCh38, 1-based): chr6:31,960,457, C>T. VCF-style: chr6-31960457-C-T. GRCh37 (hg19) VCF-style: chr6-31928234-C-T.
Other names: short protein forms S127L.
Identifiers: ClinVar variation 907290 (VCV000907290.10), dbSNP rs140350010, ClinGen allele CA3729135.